The following is an entry in ClinVar:

NM_173602.3(DIP2B):c.4434T>C (p.Asp1478=)

Gene: DIP2B (DIP2 acetate--CoA ligase B (putative); plus strand). Cytogenetic location: 12q13.12.
Variant type: single nucleotide variant.
Coding change: c.4434T>C on transcript NM_173602.3 (MANE Select); coding-DNA position 4434, T replaced by C.
Protein change: p.Asp1478=; no amino-acid change (aspartic acid 1478 retained).
Molecular consequence: synonymous variant.
Genome position (GRCh38, 1-based): chr12:50,741,495, T>C. VCF-style: chr12-50741495-T-C. GRCh37 (hg19) VCF-style: chr12-51135278-T-C.
Identifiers: ClinVar variation 3772604 (VCV003772604.13).
Genomic context (GRCh38, chr12:50,741,495, plus strand): 5'-TGTGGTGGGAGCGCTGGATGAAACACTGGAGCTGAGAGGATTACGATACCACCCAATTGA[T>C]ATTGAGACCTCGGTGTCCCGGATCCACAGAAGCATTGCTGAATGGTAACTCCCTCAGCAT-3'
Protein context (NP_775873.2, residues 1468-1488): ELRGLRYHPI[Asp1478=]IETSVSRIHR

ClinVar aggregate classification (germline): Likely benign (1 of 4 stars; one submission).

Submission:

CeGaT Center for Human Genetics Tuebingen
Classification: Likely benign. Last evaluated: 2025-02-01. Review status: criteria provided, single submitter. Criteria: CeGaT Center For Human Genetics Tuebingen Variant Classification Criteria Version 2. Collection method: clinical testing. Allele origin: germline. Affected: yes. Observed: 1 variant allele.
Comment: DIP2B: PM2:Supporting, BP4, BP7